The following is an entry in ClinVar:

ClinVar aggregate classification (germline): Pathogenic/Likely pathogenic. Review status: criteria provided, multiple submitters, no conflicts (2 of 4 stars). 2 submissions from 2 submitters: Pathogenic (1); Likely pathogenic (1). Last evaluated 2023-10-19.

Conditions:
Alstrom syndrome (ALMS). Identifiers: Orphanet 64, MedGen C0268425, MONDO:0008763, OMIM 203800.

gnomAD v4.1: 2 of 1,614,192 alleles (0.00012%); highest among the groups gnomAD compares: South Asian, 0.0022%; no homozygotes.

Submissions (2):

Labcorp Genetics (formerly Invitae), Labcorp
Classification: Pathogenic for Alstrom syndrome. Last evaluated: 2023-10-19. Review status: criteria provided, single submitter. Criteria: Invitae Variant Classification Sherloc (09022015). Collection method: clinical testing. Allele origin: germline.
Comment: This sequence change creates a premature translational stop signal (p.Ser3326*) in the ALMS1 gene. It is expected to result in an absent or disrupted protein product. Loss-of-function variants in ALMS1 are known to be pathogenic (PMID: 17594715). This variant is present in population databases (no rsID available, gnomAD 0.003%). This variant has not been reported in the literature in individuals affected with ALMS1-related conditions. ClinVar contains an entry for this variant (Variation ID: 846651). For these reasons, this variant has been classified as Pathogenic.

Fulgent Genetics
Classification: Likely pathogenic for Alstrom syndrome. Last evaluated: 2021-07-29. Review status: criteria provided, single submitter. Criteria: ACMG Guidelines, 2015. Collection method: clinical testing. Allele origin: unknown.

Literature cited by the submitters: PubMed 17594715 (cited by Labcorp Genetics (formerly Invitae), Labcorp).

NM_001378454.1(ALMS1):c.9974C>G (p.Ser3325Ter)

Gene: ALMS1 (ALMS1 centrosome and basal body associated protein; plus strand). Cytogenetic location: 2p13.1.
Variant type: single nucleotide variant.
Coding change: c.9974C>G on transcript NM_001378454.1 (MANE Select); coding-DNA position 9974, C replaced by G.
Protein change: p.Ser3325Ter; replaces serine 3325 with a stop codon.
Molecular consequence: nonsense.
Genome position (GRCh38, 1-based): chr2:73,550,333, C>G. VCF-style: chr2-73550333-C-G. GRCh37 (hg19) VCF-style: chr2-73777460-C-G.
Other names: c.9977C>G, p.Ser3326Ter (NM_015120.4); short protein forms S3325*, S3326*.
Identifiers: ClinVar variation 846651 (VCV000846651.8), dbSNP rs754690894, ClinGen allele CA347271836.